The following is an entry in ClinVar:

NM_000719.7(CACNA1C):c.6260_6280del (p.Pro2087_Ala2093del)

Genes: CACNA1C (calcium voltage-gated channel subunit alpha1 C; plus strand), CACNA1C-AS1 (CACNA1C antisense RNA 1; minus strand). Cytogenetic location: 12p13.33.
Variant type: Deletion.
Coding change: c.6260_6280del on transcript NM_000719.7 (MANE Select); coding-DNA positions 6260 to 6280, 21 bases deleted (CACAGAGCCCCAATGGCGCCC).
Protein change: p.Pro2087_Ala2093del.
Molecular consequence: inframe deletion.
Genome position (GRCh38, 1-based): chr12:2,691,042-2,691,062, CACAGAGCCCCAATGGCGCCC deleted; deleting any 21 consecutive bases within chr12:2,691,035-2,691,062 gives the same sequence; the c. name uses the placement nearest the transcript's 3' end. VCF-style (leftmost placement, unchanged base first): chr12-2691034-GGGCGCCCCACAGAGCCCCAAT-G. GRCh37 (hg19) VCF-style: chr12-2800200-GGGCGCCCCACAGAGCCCCAAT-G.
Other names: c.6404_6424del, p.Pro2135_Ala2141del (NM_001129827.2); c.6383_6403del, p.Pro2128_Ala2134del (NM_001129829.2); c.6365_6385del, p.Pro2122_Ala2128del (NM_001129830.3, NM_001167624.3); c.6344_6364del, p.Pro2115_Ala2121del (NM_001129831.2); c.6320_6340del, p.Pro2107_Ala2113del (NM_001129832.2); c.6317_6337del, p.Pro2106_Ala2112del (NM_001129833.2, NM_001129834.2, NM_001129835.2); c.6311_6331del, p.Pro2104_Ala2110del (NM_001129836.2); c.6284_6304del, p.Pro2095_Ala2101del (NM_001129837.2, NM_001129838.2); and 6 more.
Identifiers: ClinVar variation 573417 (VCV000573417.9), dbSNP rs1556333500, ClinGen allele CA383386674.
Genomic context (GRCh38, chr12:2,691,034, plus strand): 5'-CGACGCCTGCGACATGACCATAGAGGAGATGGAGAGCGCGGCCGACAACATCCTCAGCGG[GGGCGCCCCACAGAGCCCCAAT>G]GGCGCCCTCTTACCCTTTGTGAACTGCAGGGACGCGGGGCAGGACCGAGCCGGGGGCGAA-3'

ClinVar aggregate classification (germline): Uncertain significance (1 of 4 stars; one submission).

Conditions:
Long QT syndrome (LQTS). Identifiers: MedGen C0023976, MeSH D008133, MONDO:0002442. Disease mechanism: loss of function. Inheritance: Various modes of inheritance.

Submission:

Labcorp Genetics (formerly Invitae), Labcorp
Classification: Uncertain significance for Long QT syndrome. Last evaluated: 2024-02-24. Review status: criteria provided, single submitter. Criteria: Invitae Variant Classification Sherloc (09022015). Collection method: clinical testing. Allele origin: germline.
Comment: This variant, c.6260_6280del, results in the deletion of 7 amino acid(s) of the CACNA1C protein (p.Pro2087_Ala2093del), but otherwise preserves the integrity of the reading frame. This variant is not present in population databases (gnomAD no frequency). This variant has not been reported in the literature in individuals affected with CACNA1C-related conditions. ClinVar contains an entry for this variant (Variation ID: 573417). Experimental studies and prediction algorithms are not available or were not evaluated, and the functional significance of this variant is currently unknown. In summary, the available evidence is currently insufficient to determine the role of this variant in disease. Therefore, it has been classified as a Variant of Uncertain Significance.